The following is an entry in ClinVar:

NM_003289.4(TPM2):c.541G>A (p.Glu181Lys)

Gene: TPM2 (tropomyosin 2; minus strand). Cytogenetic location: 9p13.3.
Variant type: single nucleotide variant.
Coding change: c.541G>A on transcript NM_003289.4 (MANE Select); coding-DNA position 541, G replaced by A.
Protein change: p.Glu181Lys; replaces glutamic acid 181 with lysine.
Molecular consequence: missense variant.
Genome position (GRCh38, 1-based): chr9:35,685,291, C>T on the plus strand (G>A on the coding strand, the complement: TPM2 is on the minus strand). VCF-style: chr9-35685291-C-T. GRCh37 (hg19) VCF-style: chr9-35685288-C-T.
Other names: c.541G>A, p.Glu181Lys (NM_001301226.2, NM_001301227.2, NM_213674.1); short protein forms E181K.
Identifiers: ClinVar variation 3340416 (VCV003340416.1).

ClinVar aggregate classification (germline): Likely pathogenic (1 of 4 stars; one submission).

Submission:

GeneDx
Classification: Likely pathogenic. Last evaluated: 2023-09-11. Review status: criteria provided, single submitter. Criteria: GeneDx Variant Classification Process June 2021. Collection method: clinical testing. Allele origin: germline. Affected: yes.
Comment: In silico analysis supports that this missense variant has a deleterious effect on protein structure/function; Missense variants in this gene are often considered pathogenic (HGMD); Not observed at significant frequency in large population cohorts (gnomAD); This variant is associated with the following publications: (PMID: 26307083, 22798622, 22980765, 33060286, 24077912)